The following is an entry in ClinVar:

ClinVar aggregate classification (germline): Likely benign (1 of 4 stars; one submission).

gnomAD v4.1: 45 of 1,612,686 alleles (0.0028%); highest among the groups gnomAD compares: Non-Finnish European, 0.0037%; no homozygotes.

Submission:

CeGaT Center for Human Genetics Tuebingen
Classification: Likely benign. Last evaluated: 2026-09-01. Review status: criteria provided, single submitter. Criteria: CeGaT Center For Human Genetics Tuebingen Variant Classification Criteria Version 2. Collection method: clinical testing. Allele origin: germline. Affected: yes. Observed: 1 variant allele.
Comment: KNL1: BP4, BP7

NM_144508.5(KNL1):c.4593A>G (p.Gln1531=)

Gene: KNL1 (kinetochore scaffold 1; plus strand). Cytogenetic location: 15q15.1.
Variant type: single nucleotide variant.
Coding change: c.4593A>G on transcript NM_144508.5 (MANE Select); coding-DNA position 4593, A replaced by G.
Protein change: p.Gln1531=; no amino-acid change (glutamine 1531 retained).
Molecular consequence: synonymous variant.
Genome position (GRCh38, 1-based): chr15:40,624,857, A>G. VCF-style: chr15-40624857-A-G. GRCh37 (hg19) VCF-style: chr15-40917055-A-G.
Other names: c.4671A>G, p.Gln1557= (NM_170589.5).
Identifiers: ClinVar variation 5039025 (VCV005039025.1).
Genomic context (GRCh38, chr15:40,624,857, plus strand): 5'-TCAAACAACTAACTATAATACAGCTCTAGATTTCCACAGTAACTCAGACGTAACTAAGCA[A>G]GTCATTCAAACTCATGTCAATGCTGGAGAAGCACCAGATCCTGTAATTACATCTAATGTT-3'
Protein context (NP_653091.3, residues 1521-1541): DFHSNSDVTK[Gln1531=]VIQTHVNAGE